The following is an entry in ClinVar:

NC_000022.11:g.(?_28694022)_(28694127_?)del

Gene: CHEK2 (checkpoint kinase 2; minus strand). Cytogenetic location: 22q12.1.
Variant type: Deletion.
Identifiers: ClinVar variation 665647 (VCV000665647.9).

ClinVar aggregate classification (germline): Pathogenic (1 of 4 stars; one submission).

Conditions:
Familial cancer of breast. Also called: BREAST CANCER, FAMILIAL; hereditary breast carcinoma; Hereditary breast cancer. Identifiers: Orphanet 227535, MedGen C0346153, MONDO:0016419, OMIM 114480. Disease mechanism: loss of function.

Submission:

Labcorp Genetics (formerly Invitae), Labcorp
Classification: Pathogenic for Familial cancer of breast. Last evaluated: 2022-06-12. Review status: criteria provided, single submitter. Criteria: Invitae Variant Classification Sherloc (09022015). Collection method: clinical testing. Allele origin: germline.
Comment: This variant is a gross deletion of the genomic region encompassing exon(s) 13 of the CHEK2 gene. This deletion is out-of-frame, and is expected to create a premature termination codon and result in an absent or disrupted protein product. Loss-of-function variants in CHEK2 are known to be pathogenic (PMID: 21876083, 24713400). A similar copy number variant has been observed in individual(s) with pancreatic ductal adenocarcinomas (PMID: 30067863). For these reasons, this variant has been classified as Pathogenic.

Literature cited by the submitters: PubMed 21876083; PubMed 24713400; PubMed 30067863.